The following is an entry in ClinVar:

ClinVar aggregate classification (germline): Uncertain significance (1 of 4 stars; one submission).

Conditions:
Primary dilated cardiomyopathy (DCM). Also called: Dilated Cardiomyopathy. Identifiers: Orphanet 217604, MedGen C0007193, MeSH D002311, MONDO:0005021, HP:0001644. Inheritance: Various modes of inheritance.

Allele frequency attached by ClinVar (database versions not stated): gnomAD exomes below 0.00001; ExAC 0.00001.
gnomAD v4.1: 2 of 1,596,388 alleles (0.00013%); highest among the groups gnomAD compares: East Asian, 0.0045%; no homozygotes.

Submission:

Labcorp Genetics (formerly Invitae), Labcorp
Classification: Uncertain significance for Primary dilated cardiomyopathy. Last evaluated: 2023-12-13. Review status: criteria provided, single submitter. Criteria: Invitae Variant Classification Sherloc (09022015). Collection method: clinical testing. Allele origin: germline.
Comment: This sequence change replaces isoleucine, which is neutral and non-polar, with methionine, which is neutral and non-polar, at codon 574 of the NEBL protein (p.Ile574Met). This variant is present in population databases (rs753758801, gnomAD 0.006%). This variant has not been reported in the literature in individuals affected with NEBL-related conditions. Algorithms developed to predict the effect of missense changes on protein structure and function output the following: SIFT: "Not Available"; PolyPhen-2: "Benign"; Align-GVGD: "Not Available". The methionine amino acid residue is found in multiple mammalian species, which suggests that this missense change does not adversely affect protein function. In summary, the available evidence is currently insufficient to determine the role of this variant in disease. Therefore, it has been classified as a Variant of Uncertain Significance.

NM_006393.3(NEBL):c.1722A>G (p.Ile574Met)

Gene: NEBL (nebulette; minus strand). Cytogenetic location: 10p12.31.
Variant type: single nucleotide variant.
Coding change: c.1722A>G on transcript NM_006393.3 (MANE Select); coding-DNA position 1722, A replaced by G.
Protein change: p.Ile574Met; replaces isoleucine 574 with methionine.
Molecular consequence: missense variant. On other transcripts: intron variant (9).
Genome position (GRCh38, 1-based): chr10:20,828,584, T>C on the plus strand (A>G on the coding strand, the complement: NEBL is on the minus strand). VCF-style: chr10-20828584-T-C. GRCh37 (hg19) VCF-style: chr10-21117513-T-C.
Other names: c.250-15644A>G (NM_001377326.1, NM_001377327.1, NM_001377328.1); c.358-15644A>G (NM_213569.2, NM_001173484.2, NM_001377322.1); c.301-15644A>G (NM_001377324.1); c.292-15644A>G (NM_001377325.1); c.310-15644A>G (NM_001377323.1); short protein forms I574M.
Identifiers: ClinVar variation 2702795 (VCV002702795.3), dbSNP rs753758801, ClinGen allele CA5432766.